The following is an entry in ClinVar:

NM_000155.4(GALT):c.176C>G (p.Pro59Arg)

Genes: GALT (galactose-1-phosphate uridylyltransferase; plus strand), LOC130001683 (ATAC-STARR-seq lymphoblastoid active region 28314; plus strand). Cytogenetic location: 9p13.3.
Variant type: single nucleotide variant.
Coding change: c.176C>G on transcript NM_000155.4 (MANE Select); coding-DNA position 176, C replaced by G.
Protein change: p.Pro59Arg; replaces proline 59 with arginine.
Molecular consequence: missense variant. On other transcripts: 5 prime UTR variant (1).
Genome position (GRCh38, 1-based): chr9:34,647,182, C>G. VCF-style: chr9-34647182-C-G. GRCh37 (hg19) VCF-style: chr9-34647179-C-G.
Other names: c.-27C>G (NM_001258332.2); c.176C>G (NM_000155.2); short protein forms P59R.
Identifiers: ClinVar variation 3605700 (VCV003605700.3).

ClinVar aggregate classification (germline): Uncertain significance. Review status: criteria provided, multiple submitters, no conflicts (2 of 4 stars). 2 submissions from 2 submitters: Uncertain significance (2). Last evaluated 2025-08-17.

Conditions:
Deficiency of UDPglucose-hexose-1-phosphate uridylyltransferase. Also called: Transferase Deficiency Galactosemia; GALT deficiency; Galactosemia, classic; GALACTOSE-1-PHOSPHATE URIDYLYLTRANSFERASE DEFICIENCY; GALACTOSEMIA I. Identifiers: Orphanet 352, Orphanet 79239, MedGen C0268151, MONDO:0009258, OMIM 230400.
Inborn genetic diseases. Identifiers: MedGen C0950123, MeSH D030342.

Submissions (2):

Labcorp Genetics (formerly Invitae), Labcorp
Classification: Uncertain significance for Deficiency of UDPglucose-hexose-1-phosphate uridylyltransferase. Last evaluated: 2025-08-17. Review status: criteria provided, single submitter. Criteria: Invitae Variant Classification Sherloc (09022015). Collection method: clinical testing. Allele origin: germline.
Comment: This sequence change replaces proline, which is neutral and non-polar, with arginine, which is basic and polar, at codon 59 of the GALT protein (p.Pro59Arg). This variant is present in population databases (no rsID available, gnomAD 0.003%). This variant has not been reported in the literature in individuals affected with GALT-related conditions. ClinVar contains an entry for this variant (Variation ID: 3605700). Invitae Evidence Modeling of protein sequence and biophysical properties (such as structural, functional, and spatial information, amino acid conservation, physicochemical variation, residue mobility, and thermodynamic stability) indicates that this missense variant is expected to disrupt GALT protein function with a positive predictive value of 80%. In summary, the available evidence is currently insufficient to determine the role of this variant in disease. Therefore, it has been classified as a Variant of Uncertain Significance.

Ambry Genetics
Classification: Uncertain significance for Inborn genetic diseases. Last evaluated: 2025-02-26. Review status: criteria provided, single submitter. Criteria: Ambry Variant Classification Scheme 2023. Collection method: clinical testing. Allele origin: germline.